The following is an entry in ClinVar:

NM_001003722.2(GLE1):c.1391T>C (p.Val464Ala)

Genes: GLE1 (GLE1 RNA export mediator; plus strand), LOC101929270 (uncharacterized LOC101929270; minus strand). Cytogenetic location: 9q34.11.
Variant type: single nucleotide variant.
Coding change: c.1391T>C on transcript NM_001003722.2 (MANE Select); coding-DNA position 1391, T replaced by C.
Protein change: p.Val464Ala; replaces valine 464 with alanine.
Molecular consequence: missense variant.
Genome position (GRCh38, 1-based): chr9:128,533,591, T>C. VCF-style: chr9-128533591-T-C. GRCh37 (hg19) VCF-style: chr9-131295870-T-C.
Other names: c.1418T>C, p.Val473Ala (NM_001411013.1); c.1391T>C, p.Val464Ala (NM_001499.2); short protein forms V464A, V473A.
Identifiers: ClinVar variation 4755611 (VCV004755611.2).
Genomic context (GRCh38, chr9:128,533,591, plus strand): 5'-TCTTTGACAAGATCCACAGCCTGCTCTCTGGAAAACCTGTTCAATCTGGTGGGCGCTCTG[T>C]GTCTGTCACACTTAACCCACAGGGGCTGGACTTTGTTCAATACAAACTGGCAGAGAAATT-3'
Protein context (NP_001003722.1, residues 454-474): GKPVQSGGRS[Val464Ala]SVTLNPQGLD

ClinVar aggregate classification (germline): Uncertain significance. Review status: criteria provided, multiple submitters, no conflicts (2 of 4 stars). 2 submissions from 2 submitters: Uncertain significance (2). Last evaluated 2025-08-05.

gnomAD v4.1: 5 of 1,614,086 alleles (0.00031%); highest among the groups gnomAD compares: Non-Finnish European, 0.00042%; no homozygotes.

Submissions (2):

GeneDx
Classification: Uncertain significance. Last evaluated: 2025-08-05. Review status: criteria provided, single submitter. Criteria: GeneDx Variant Classification Process June 2021. Collection method: clinical testing. Allele origin: germline. Affected: yes.
Comment: Not observed at significant frequency in large population cohorts (gnomAD); In silico analysis supports that this missense variant has a deleterious effect on protein structure/function; Has not been previously published as pathogenic or benign to our knowledge

Blueprint Genetics
Classification: Uncertain significance. Last evaluated: 2021-12-20. Review status: criteria provided, single submitter. Criteria: ACMG Guidelines, 2015. Collection method: clinical testing. Allele origin: germline.